The following is an entry in ClinVar:

NM_001386140.1(MTTP):c.1686_1689del (p.Ser563fs)

Gene: MTTP (microsomal triglyceride transfer protein; plus strand). Cytogenetic location: 4q23.
Variant type: Deletion.
Coding change: c.1686_1689del on transcript NM_001386140.1 (MANE Select); coding-DNA positions 1686 to 1689, 4 bases deleted (GTCT; older notation c.1686_1689delGTCT).
Protein change: p.Ser563fs; shifts the reading frame from serine 563.
Molecular consequence: frameshift variant.
Genome position (GRCh38, 1-based): chr4:99,608,894-99,608,897, GTCT deleted; deleting any 4 consecutive bases within chr4:99,608,892-99,608,897 gives the same sequence; the c. name uses the placement nearest the transcript's 3' end. VCF-style (leftmost placement, unchanged base first): chr4-99608891-GCTGT-G. GRCh37 (hg19) VCF-style: chr4-100530048-GCTGT-G.
Other names: c.1686_1689del, p.Ser563fs (NM_000253.4); c.1437_1440del, p.Ser480fs (NM_001300785.2); short protein forms S480fs, S563fs.
Identifiers: ClinVar variation 1455885 (VCV001455885.6), dbSNP rs2110230220, ClinGen allele CA2573138385.

ClinVar aggregate classification (germline): Pathogenic (1 of 4 stars; one submission).

Submission:

Labcorp Genetics (formerly Invitae), Labcorp
Classification: Pathogenic. Last evaluated: 2024-11-05. Review status: criteria provided, single submitter. Criteria: Invitae Variant Classification Sherloc (09022015). Collection method: clinical testing. Allele origin: germline.
Comment: This sequence change creates a premature translational stop signal (p.Ser563Leufs*8) in the MTTP gene. It is expected to result in an absent or disrupted protein product. Loss-of-function variants in MTTP are known to be pathogenic (PMID: 8533758, 9671739). This variant is not present in population databases (gnomAD no frequency). This variant has not been reported in the literature in individuals affected with MTTP-related conditions. ClinVar contains an entry for this variant (Variation ID: 1455885). For these reasons, this variant has been classified as Pathogenic.

Literature cited by the submitters: PubMed 8533758; PubMed 9671739.